The following is an entry in ClinVar:

ClinVar aggregate classification (germline): Uncertain significance (1 of 4 stars; one submission).

Conditions:
Developmental and epileptic encephalopathy, 9 (DEE9). Also called: Early infantile epileptic encephalopathy 9; EPILEPSY, FEMALE-RESTRICTED, WITH MENTAL RETARDATION; PCDH19-Related X-Linked Female-Limited Epilepsy with Mental Retardation; JUBERG-HELLMAN SYNDROME. Identifiers: Orphanet 101039, Orphanet 2076, MedGen C1848137, MONDO:0010246, OMIM 300088. Disease mechanism: loss of function.

gnomAD v4.1: 2 of 1,210,770 alleles (0.00017%); highest among the groups gnomAD compares: Non-Finnish European, 0.00022%; no homozygotes.

Submission:

Labcorp Genetics (formerly Invitae), Labcorp
Classification: Uncertain significance for Developmental and epileptic encephalopathy, 9. Last evaluated: 2025-03-05. Review status: criteria provided, single submitter. Criteria: Invitae Variant Classification Sherloc (09022015). Collection method: clinical testing. Allele origin: germline.
Comment: This sequence change replaces cysteine, which is neutral and slightly polar, with glycine, which is neutral and non-polar, at codon 804 of the PCDH19 protein (p.Cys804Gly). This variant is not present in population databases (gnomAD no frequency). This variant has not been reported in the literature in individuals affected with PCDH19-related conditions. Invitae Evidence Modeling of protein sequence and biophysical properties (such as structural, functional, and spatial information, amino acid conservation, physicochemical variation, residue mobility, and thermodynamic stability) indicates that this missense variant is not expected to disrupt PCDH19 protein function with a negative predictive value of 95%. In summary, the available evidence is currently insufficient to determine the role of this variant in disease. Therefore, it has been classified as a Variant of Uncertain Significance.

NM_001184880.2(PCDH19):c.2410T>G (p.Cys804Gly)

Genes: PCDH19 (protocadherin 19; minus strand), LOC125467768 (CDK7 strongly-dependent group 2 enhancer GRCh37_chrX:99657381-99658580; plus strand). Cytogenetic location: Xq22.1.
Variant type: single nucleotide variant.
Coding change: c.2410T>G on transcript NM_001184880.2 (MANE Select); coding-DNA position 2410, T replaced by G.
Protein change: p.Cys804Gly; replaces cysteine 804 with glycine.
Molecular consequence: missense variant.
Genome position (GRCh38, 1-based): chrX:100,402,730, A>C on the plus strand (T>G on the coding strand, the complement: PCDH19 is on the minus strand). VCF-style: chrX-100402730-A-C. GRCh37 (hg19) VCF-style: chrX-99657728-A-C.
Other names: c.2269T>G, p.Cys757Gly (NM_001105243.2, NM_020766.3); short protein forms C757G, C804G.
Identifiers: ClinVar variation 3678296 (VCV003678296.2).
Genomic context (GRCh38, chrX:100,402,730, plus strand): 5'-CCAGGGGCAGCGTCTGCTGGTGGTAGTCAAAATAGTTGAGGGAGGAGGTCAGGGAAGAGC[A>C]ACTGACAACGTTCATCTTGTCTGTCTCCTCCACATCCCGGGGTACCAGGCGGATGTCATT-3'
Protein context (NP_001171809.1, residues 794-814): EETDKMNVVS[Cys804Gly]SSLTSSLNYF